The following is an entry in ClinVar:

NM_001099922.3(ALG13):c.497C>G (p.Ser166Cys)

Gene: ALG13 (ALG13 UDP-N-acetylglucosaminyltransferase subunit; plus strand). Cytogenetic location: Xq23.
Variant type: single nucleotide variant.
Coding change: c.497C>G on transcript NM_001099922.3 (MANE Select); coding-DNA position 497, C replaced by G.
Protein change: p.Ser166Cys; replaces serine 166 with cysteine.
Molecular consequence: missense variant. On other transcripts: non-coding transcript variant (1).
Genome position (GRCh38, 1-based): chrX:111,708,140, C>G. VCF-style: chrX-111708140-C-G. GRCh37 (hg19) VCF-style: chrX-110951368-C-G.
Other names: c.185C>G, p.Ser62Cys (NM_001257230.2, NM_001257234.2, NM_001257237.2 and 1 more transcripts); c.263C>G, p.Ser88Cys (NM_001257231.2); c.497C>G, p.Ser166Cys (NM_001324292.2); short protein forms S62C, S88C, S166C.
Identifiers: ClinVar variation 1377328 (VCV001377328.8), dbSNP rs2147996812, ClinGen allele CA414249433.

ClinVar aggregate classification (germline): Uncertain significance (1 of 4 stars; one submission).

Conditions:
Developmental and epileptic encephalopathy, 36 (DEE36). Also called: Epileptic encephalopathy, early infantile, 36; Congenital disorder of glycosylation, type Is; ALG13-CDG. Identifiers: Orphanet 324422, MedGen C4317295, MONDO:0010472, OMIM 300884.

Submission:

Labcorp Genetics (formerly Invitae), Labcorp
Classification: Uncertain significance for Developmental and epileptic encephalopathy, 36. Last evaluated: 2024-10-15. Review status: criteria provided, single submitter. Criteria: Invitae Variant Classification Sherloc (09022015). Collection method: clinical testing. Allele origin: germline.
Comment: This sequence change replaces serine, which is neutral and polar, with cysteine, which is neutral and slightly polar, at codon 166 of the ALG13 protein (p.Ser166Cys). This variant is not present in population databases (gnomAD no frequency). This variant has not been reported in the literature in individuals affected with ALG13-related conditions. ClinVar contains an entry for this variant (Variation ID: 1377328). Invitae Evidence Modeling of protein sequence and biophysical properties (such as structural, functional, and spatial information, amino acid conservation, physicochemical variation, residue mobility, and thermodynamic stability) indicates that this missense variant is not expected to disrupt ALG13 protein function with a negative predictive value of 95%. In summary, the available evidence is currently insufficient to determine the role of this variant in disease. Therefore, it has been classified as a Variant of Uncertain Significance.